The following is an entry in ClinVar:

NM_032043.3(BRIP1):c.2679T>C (p.Asn893=)

Gene: BRIP1 (BRCA1 interacting DNA helicase 1; minus strand). Cytogenetic location: 17q23.2.
Variant type: single nucleotide variant.
Coding change: c.2679T>C on transcript NM_032043.3 (MANE Select); coding-DNA position 2679, T replaced by C.
Protein change: p.Asn893=; no amino-acid change (asparagine 893 retained).
Molecular consequence: synonymous variant.
Genome position (GRCh38, 1-based): chr17:61,686,062, A>G on the plus strand (T>C on the coding strand, the complement: BRIP1 is on the minus strand). VCF-style: chr17-61686062-A-G. GRCh37 (hg19) VCF-style: chr17-59763423-A-G.
Identifiers: ClinVar variation 1528550 (VCV001528550.12), dbSNP rs2144115408, ClinGen allele CA501335821.

ClinVar aggregate classification (germline): Benign/Likely benign. Review status: criteria provided, multiple submitters, no conflicts (2 of 4 stars). 3 submissions from 3 submitters: Benign (1); Likely benign (2). Last evaluated 2024-09-05.

Conditions:
Hereditary cancer-predisposing syndrome. Also called: Tumor predisposition; Hereditary neoplastic syndrome; Neoplastic Syndromes, Hereditary; Hereditary Cancer Syndrome. Identifiers: Orphanet 140162, MedGen C0027672, MeSH D009386, MONDO:0015356.
Fanconi anemia complementation group J. Also called: BRIP1-Related Fanconi Anemia. Identifiers: Orphanet 84, MedGen C1836860, MONDO:0012187, OMIM 609054.
Familial cancer of breast. Also called: Hereditary breast cancer; BREAST CANCER, FAMILIAL; hereditary breast carcinoma. Identifiers: Orphanet 227535, MedGen C0346153, MONDO:0016419, OMIM 114480. Disease mechanism: loss of function.

gnomAD v4.1: 3 of 1,614,030 alleles (0.00019%); highest among the groups gnomAD compares: Non-Finnish European, 0.00025%; no homozygotes.

Submissions (3):

Myriad Genetics, Inc.
Classification: Benign for Familial cancer of breast. Last evaluated: 2024-09-05. Review status: criteria provided, single submitter. Criteria: Myriad Autosomal Dominant, Autosomal Recessive and X-Linked Classification Criteria (2023). Collection method: clinical testing. Allele origin: unknown.
Comment: This variant is considered benign. This variant is a silent/synonymous amino acid change and it is not expected to impact splicing.

Labcorp Genetics (formerly Invitae), Labcorp
Classification: Likely benign for Familial cancer of breast; Fanconi anemia complementation group J. Last evaluated: 2022-11-24. Review status: criteria provided, single submitter. Criteria: Invitae Variant Classification Sherloc (09022015). Collection method: clinical testing. Allele origin: germline.

Ambry Genetics
Classification: Likely benign for Hereditary cancer-predisposing syndrome. Last evaluated: 2021-08-09. Review status: criteria provided, single submitter. Criteria: Ambry Variant Classification Scheme 2023. Collection method: clinical testing. Allele origin: germline.